The following is an entry in ClinVar:

ClinVar aggregate classification (germline): Uncertain significance (1 of 4 stars; one submission).

Submission:

GeneDx
Classification: Uncertain significance. Last evaluated: 2023-06-23. Review status: criteria provided, single submitter. Criteria: GeneDx Variant Classification Process June 2021. Collection method: clinical testing. Allele origin: germline. Affected: yes.
Comment: Not observed at significant frequency in large population cohorts (gnomAD); In silico analysis supports that this missense variant has a deleterious effect on protein structure/function; Has not been previously published as pathogenic or benign to our knowledge

NM_001042424.3(NSD2):c.2291G>A (p.Cys764Tyr)

Gene: NSD2 (nuclear receptor binding SET domain protein 2; plus strand). Cytogenetic location: 4p16.3.
Variant type: single nucleotide variant.
Coding change: c.2291G>A on transcript NM_001042424.3 (MANE Select); coding-DNA position 2291, G replaced by A.
Protein change: p.Cys764Tyr; replaces cysteine 764 with tyrosine.
Molecular consequence: missense variant.
Genome position (GRCh38, 1-based): chr4:1,953,477, G>A. VCF-style: chr4-1953477-G-A. GRCh37 (hg19) VCF-style: chr4-1955204-G-A.
Other names: c.2291G>A, p.Cys764Tyr (NM_133330.3, NM_133331.3, NM_133335.4); short protein forms C764Y.
Identifiers: ClinVar variation 3360285 (VCV003360285.1).